The following is an entry in ClinVar:

NM_000059.4(BRCA2):c.6327T>A (p.Val2109=)

Gene: BRCA2 (BRCA2 DNA repair associated; plus strand). Cytogenetic location: 13q13.1.
Variant type: single nucleotide variant.
Coding change: c.6327T>A on transcript NM_000059.4 (MANE Select); coding-DNA position 6327, T replaced by A.
Protein change: p.Val2109=; no amino-acid change (valine 2109 retained).
Molecular consequence: synonymous variant. On other transcripts: non-coding transcript variant (1), intron variant (2).
Genome position (GRCh38, 1-based): chr13:32,340,682, T>A. VCF-style: chr13-32340682-T-A. GRCh37 (hg19) VCF-style: chr13-32914819-T-A.
Other names: c.6327T>A, p.Val2109= (NM_001406719.1, NM_001406720.1); c.1910-3876T>A (NM_001406721.1); c.425-3876T>A (NM_001406722.1).
Identifiers: ClinVar variation 2695437 (VCV002695437.5), dbSNP rs876660313, ClinGen allele CA483438811.
Genomic context (GRCh38, chr13:32,340,682, plus strand): 5'-GCATAGTCTTCACTATTCACCTACGTCTAGACAAAATGTATCAAAAATACTTCCTCGTGT[T>A]GATAAGAGAAACCCAGAGCACTGTGTAAACTCAGAAATGGAAAAAACCTGCAGTAAAGAA-3'
Protein context (NP_000050.3, residues 2099-2119): RQNVSKILPR[Val2109=]DKRNPEHCVN

ClinVar aggregate classification (germline): Likely benign. Review status: criteria provided, multiple submitters, no conflicts (2 of 4 stars). 3 submissions from 3 submitters: Likely benign (3). Last evaluated 2025-01-10.

Conditions:
Hereditary breast ovarian cancer syndrome. Also called: BRCA1- and BRCA2-Associated Hereditary Breast and Ovarian Cancer; Hereditary breast and ovarian cancer; Hereditary breast and ovarian cancer syndrome (HBOC); Hereditary breast and ovarian cancer syndrome; Hereditary breast and/or ovarian cancer syndrome; Breast and ovarian cancer. Identifiers: Orphanet 145, MedGen C0677776, MeSH D061325, MONDO:0003582. Disease mechanism: loss of function.
BRCA2-related cancer predisposition. Identifiers: MedGen CN377758, MONDO:0700269.
Hereditary cancer-predisposing syndrome. Also called: Neoplastic Syndromes, Hereditary; Tumor predisposition; Hereditary neoplastic syndrome; Hereditary Cancer Syndrome. Identifiers: Orphanet 140162, MedGen C0027672, MeSH D009386, MONDO:0015356.

Submissions (3):

Ambry Genetics
Classification: Likely benign for Hereditary cancer-predisposing syndrome. Last evaluated: 2025-01-10. Review status: criteria provided, single submitter. Criteria: Ambry Variant Classification Scheme 2023. Collection method: clinical testing. Allele origin: germline.

Labcorp Genetics (formerly Invitae), Labcorp
Classification: Likely benign for Hereditary breast ovarian cancer syndrome. Last evaluated: 2023-11-13. Review status: criteria provided, single submitter. Criteria: Invitae Variant Classification Sherloc (09022015). Collection method: clinical testing. Allele origin: germline.

All of Us Research Program, National Institutes of Health
Classification: Likely benign for BRCA2-related cancer predisposition. Last evaluated: 2023-04-28. Review status: criteria provided, single submitter. Criteria: ACMG Guidelines, 2015. Collection method: clinical testing. Allele origin: germline. Inheritance: Autosomal dominant inheritance. Observed: 1 variant allele, 1 heterozygote.
Comment: This study involves interpretation of variants in research participants for the purpose of population health screening. Participant phenotype was not available at the time of variant classification. Additional details can be found in publication PMID: 35346344, PMCID: PMC8962531